The following is an entry in ClinVar:

NM_000051.4(ATM):c.3730del (p.Ile1244fs)

Gene: ATM (ATM serine/threonine kinase; plus strand). Cytogenetic location: 11q22.3.
Variant type: Deletion.
Coding change: c.3730del on transcript NM_000051.4 (MANE Select); coding-DNA position 3730, one base deleted (A; older notation c.3730delA).
Protein change: p.Ile1244fs; shifts the reading frame from isoleucine 1244.
Molecular consequence: frameshift variant.
Genome position (GRCh38, 1-based): chr11:108,282,863, A deleted. VCF-style (leftmost placement, unchanged base first): chr11-108282862-TA-T. GRCh37 (hg19) VCF-style: chr11-108153589-TA-T.
Other names: c.3730delA, p.Ile1244Leufs (NM_000051.3); c.3730del, p.Ile1244fs (NM_001351834.2); short protein forms I1244fs.
Identifiers: ClinVar variation 4814469 (VCV004814469.1).
Genomic context (GRCh38, chr11:108,282,862, plus strand): 5'-TCTTCAAGATACTGAATACAACTTATCTTCTTTTCCTTTTATTTTATTAAACTACACAAA[TA>T]TTGAGGATTTCTATAGGTAAGTTTATACATGACATATGTGAAATTTGTTTAATTTAAAAT-3'

ClinVar aggregate classification (germline): Likely pathogenic (1 of 4 stars; one submission).

Conditions:
Ataxia-telangiectasia syndrome (AT). Also called: Ataxia-telangiectasia, complementation group E; Ataxia telangiectasia (A-T); LOUIS-BAR SYNDROME; Ataxia-telangiectasia, complementation group D; AT, COMPLEMENTATION GROUP C; ATAXIA-TELANGIECTASIA, COMPLEMENTATION GROUP A. Identifiers: Orphanet 100, MedGen C0004135, MONDO:0008840, OMIM 208900.

Submission:

Natera, Inc.
Classification: Likely pathogenic for Ataxia-telangiectasia. Last evaluated: 2024-09-27. Review status: criteria provided, single submitter. Criteria: Natera Variant Classification Schema (03/2026). Collection method: clinical testing. Allele origin: germline.
Comment: The c.3730del variant in ATM is a frameshift variant predicted to shift the reading frame beginning at codon 1244 and leads to a stop codon 12 codons downstream. This variant is expected to result in nonsense mediated decay, truncation, or a dysfunctional protein product. This variant is rare in the general population with a frequency below the threshold expected for the associated phenotype(s). Given the available evidence, this variant is classified as Likely Pathogenic.